The following is an entry in ClinVar:

NM_015259.6(ICOSLG):c.418G>A (p.Val140Met)

Gene: ICOSLG (inducible T cell costimulator ligand; minus strand). Cytogenetic location: 21q22.3.
Variant type: single nucleotide variant.
Coding change: c.418G>A on transcript NM_015259.6 (MANE Select); coding-DNA position 418, G replaced by A.
Protein change: p.Val140Met; replaces valine 140 with methionine.
Molecular consequence: missense variant.
Genome position (GRCh38, 1-based): chr21:44,235,551, C>T on the plus strand (G>A on the coding strand, the complement: ICOSLG is on the minus strand). VCF-style: chr21-44235551-C-T. GRCh37 (hg19) VCF-style: chr21-45655434-C-T.
Other names: c.418G>A, p.Val140Met (NM_001283050.2, NM_001395918.1); c.67G>A, p.Val23Met (NM_001283051.2); c.163G>A, p.Val55Met (NM_001283052.2); c.337G>A, p.Val113Met (NM_001365759.2); short protein forms V113M, V55M, V23M, V140M.
Identifiers: ClinVar variation 3706702 (VCV003706702.2).

ClinVar aggregate classification (germline): Uncertain significance (1 of 4 stars; one submission).

Submission:

Labcorp Genetics (formerly Invitae), Labcorp
Classification: Uncertain significance. Last evaluated: 2024-08-28. Review status: criteria provided, single submitter. Criteria: Invitae Variant Classification Sherloc (09022015). Collection method: clinical testing. Allele origin: germline.
Comment: This sequence change replaces valine, which is neutral and non-polar, with methionine, which is neutral and non-polar, at codon 140 of the ICOSLG protein (p.Val140Met). This variant is present in population databases (rs755328093, gnomAD 0.01%). This variant has not been reported in the literature in individuals affected with ICOSLG-related conditions. An algorithm developed to predict the effect of missense changes on protein structure and function outputs the following: PolyPhen-2: "Benign". The methionine amino acid residue is found in multiple mammalian species, which suggests that this missense change does not adversely affect protein function. In summary, the available evidence is currently insufficient to determine the role of this variant in disease. Therefore, it has been classified as a Variant of Uncertain Significance.